The following is an entry in ClinVar:

ClinVar aggregate classification (germline): Conflicting classifications of pathogenicity. Review status: criteria provided, conflicting classifications (1 of 4 stars). 2 submissions from 2 submitters: Uncertain significance (1); Likely benign (1). Last evaluated 2023-03-23.

Conditions:
Hereditary cancer-predisposing syndrome. Also called: Hereditary neoplastic syndrome; Neoplastic Syndromes, Hereditary; Tumor predisposition; Hereditary Cancer Syndrome. Identifiers: Orphanet 140162, MedGen C0027672, MeSH D009386, MONDO:0015356.
Hereditary breast ovarian cancer syndrome. Also called: BRCA1- and BRCA2-Associated Hereditary Breast and Ovarian Cancer; Hereditary breast and ovarian cancer; Hereditary breast and/or ovarian cancer syndrome; Hereditary breast and ovarian cancer syndrome (HBOC); Breast and ovarian cancer; Hereditary breast and ovarian cancer syndrome. Identifiers: Orphanet 145, MedGen C0677776, MeSH D061325, MONDO:0003582. Disease mechanism: loss of function.

Allele frequency attached by ClinVar (database versions not stated): TOPMed below 0.00001; gnomAD 0.00001.
gnomAD v4.1: 1 of 1,610,484 alleles (0.000062%); highest among the groups gnomAD compares: African/African-American, 0.0013%; no homozygotes.

Submissions (2):

University of Washington Department of Laboratory Medicine, University of Washington
Classification: Likely benign for Hereditary cancer-predisposing syndrome. Last evaluated: 2023-03-23. Review status: criteria provided, single submitter. Criteria: Dines et al. (Genet Med. 2020). Collection method: curation. Allele origin: germline.
Comment: Missense variant in a coldspot region where missense variants are very unlikely to be pathogenic (PMID:31911673).

BRCA1 coldspot (exon 11 using historical exon numbering). Reclassification based on statistical prior probability

Labcorp Genetics (formerly Invitae), Labcorp
Classification: Uncertain significance for Hereditary breast ovarian cancer syndrome. Last evaluated: 2022-08-15. Review status: criteria provided, single submitter. Criteria: Invitae Variant Classification Sherloc (09022015). Collection method: clinical testing. Allele origin: germline.
Comment: In summary, the available evidence is currently insufficient to determine the role of this variant in disease. Therefore, it has been classified as a Variant of Uncertain Significance. Advanced modeling of protein sequence and biophysical properties (such as structural, functional, and spatial information, amino acid conservation, physicochemical variation, residue mobility, and thermodynamic stability) performed at Invitae indicates that this missense variant is not expected to disrupt BRCA1 protein function. ClinVar contains an entry for this variant (Variation ID: 1511200). This variant has not been reported in the literature in individuals affected with BRCA1-related conditions. This variant is not present in population databases (gnomAD no frequency). This sequence change replaces tyrosine, which is neutral and polar, with asparagine, which is neutral and polar, at codon 261 of the BRCA1 protein (p.Tyr261Asn).

NM_007294.4(BRCA1):c.781T>A (p.Tyr261Asn)

Gene: BRCA1 (BRCA1 DNA repair associated; minus strand). Cytogenetic location: 17q21.31.
Variant type: single nucleotide variant.
Coding change: c.781T>A on transcript NM_007294.4 (MANE Select); coding-DNA position 781, T replaced by A.
Protein change: p.Tyr261Asn; replaces tyrosine 261 with asparagine.
Molecular consequence: missense variant. On other transcripts: non-coding transcript variant (1).
Genome position (GRCh38, 1-based): chr17:43,094,750, A>T on the plus strand (T>A on the coding strand, the complement: BRCA1 is on the minus strand). VCF-style: chr17-43094750-A-T. GRCh37 (hg19) VCF-style: chr17-41246767-A-T.
Other names: c.400T>A, p.Tyr134Asn (NM_001407960.1, NM_001407963.1, NM_001407959.1 and 1 more transcripts); c.397T>A, p.Tyr133Asn (NM_001407962.1); c.637T>A, p.Tyr213Asn (NM_001407964.1, NM_001407943.1, NM_001408462.1 and 26 more transcripts); c.277T>A, p.Tyr93Asn (NM_001407965.1, NM_001408512.1); c.-108T>A (NM_001407966.1, NM_001407967.1); c.781T>A, p.Tyr261Asn (NM_001407968.1, NM_001407969.1, NM_001407970.1 and 54 more transcripts); c.778T>A, p.Tyr260Asn (NM_001407972.1, NM_001407986.1, NM_001407991.1 and 38 more transcripts); c.640T>A, p.Tyr214Asn (NM_001407942.1, NM_001407944.1, NM_001407945.1 and 43 more transcripts); and 14 more; short protein forms Y261N, Y214N, Y134N, Y150N, Y194N, Y216N, Y220N, Y172N.
Identifiers: ClinVar variation 1511200 (VCV001511200.11), dbSNP rs2054049254, ClinGen allele CA10600518.